The following is an entry in ClinVar:

NM_017849.4(TMEM127):c.328G>T (p.Ala110Ser)

Gene: TMEM127 (transmembrane protein 127; minus strand). Cytogenetic location: 2q11.2.
Variant type: single nucleotide variant.
Coding change: c.328G>T on transcript NM_017849.4 (MANE Select); coding-DNA position 328, G replaced by T.
Protein change: p.Ala110Ser; replaces alanine 110 with serine.
Molecular consequence: missense variant.
Genome position (GRCh38, 1-based): chr2:96,254,914, C>A on the plus strand (G>T on the coding strand, the complement: TMEM127 is on the minus strand). VCF-style: chr2-96254914-C-A. GRCh37 (hg19) VCF-style: chr2-96920652-C-A.
Other names: c.328G>T, p.Ala110Ser (NM_001193304.3); c.328G>T (NM_017849.3); short protein forms A110S.
Identifiers: ClinVar variation 1005943 (VCV001005943.9), dbSNP rs767739392, ClinGen allele CA347653438.
Genomic context (GRCh38, chr2:96,254,914, plus strand): 5'-CATAGCGACGAGTGATCTTCAGAGCAGGATGCTTCGGCCCAAAGACATCCAGAAGGAAAG[C>A]GGAGAGACTACACAGGATGCCCAGGAAACAGAAGGCGGCGATGACCCGCAGGAGCAGCAC-3'
Protein context (NP_060319.1, residues 100-120): CFLGILCSLS[Ala110Ser]FLLDVFGPKH

ClinVar aggregate classification (germline): Uncertain significance. Review status: criteria provided, multiple submitters, no conflicts (2 of 4 stars). 2 submissions from 2 submitters: Uncertain significance (2). Last evaluated 2024-08-21.

Conditions:
Hereditary cancer-predisposing syndrome. Also called: Hereditary neoplastic syndrome; Hereditary Cancer Syndrome; Tumor predisposition; Neoplastic Syndromes, Hereditary. Identifiers: Orphanet 140162, MedGen C0027672, MeSH D009386, MONDO:0015356.
Hereditary pheochromocytoma and paraganglioma. Also called: Hereditary pheochromocytoma-paraganglioma; Hereditary Paraganglioma-Pheochromocytoma Syndromes; Hereditary paragangliomas and pheochromocytomas. Identifiers: Orphanet 29072, MedGen C4274332, MONDO:0017366.

Submissions (2):

Ambry Genetics
Classification: Uncertain significance for Hereditary cancer-predisposing syndrome. Last evaluated: 2024-08-21. Review status: criteria provided, single submitter. Criteria: Ambry Variant Classification Scheme 2023. Collection method: clinical testing. Allele origin: germline.
Comment: The p.A110S variant (also known as c.328G>T), located in coding exon 2 of the TMEM127 gene, results from a G to T substitution at nucleotide position 328. The alanine at codon 110 is replaced by serine, an amino acid with similar properties. This amino acid position is conserved. In addition, the in silico prediction for this alteration is inconclusive. Based on the available evidence, the clinical significance of this variant remains unclear.

Labcorp Genetics (formerly Invitae), Labcorp
Classification: Uncertain significance for Hereditary pheochromocytoma and paraganglioma. Last evaluated: 2020-10-21. Review status: criteria provided, single submitter. Criteria: Invitae Variant Classification Sherloc (09022015). Collection method: clinical testing. Allele origin: germline.
Comment: This sequence change replaces alanine with serine at codon 110 of the TMEM127 protein (p.Ala110Ser). The alanine residue is highly conserved and there is a moderate physicochemical difference between alanine and serine. This variant is not present in population databases (ExAC no frequency). This variant has not been reported in the literature in individuals with TMEM127-related conditions. Algorithms developed to predict the effect of missense changes on protein structure and function are either unavailable or do not agree on the potential impact of this missense change (SIFT: "Deleterious"; PolyPhen-2: "Benign"; Align-GVGD: "Class C65"). In summary, the available evidence is currently insufficient to determine the role of this variant in disease. Therefore, it has been classified as a Variant of Uncertain Significance.